The following is an entry in ClinVar:

NM_000051.4(ATM):c.2847G>A (p.Met949Ile)

Gene: ATM (ATM serine/threonine kinase; plus strand). Cytogenetic location: 11q22.3.
Variant type: single nucleotide variant.
Coding change: c.2847G>A on transcript NM_000051.4 (MANE Select); coding-DNA position 2847, G replaced by A.
Protein change: p.Met949Ile; replaces methionine 949 with isoleucine.
Molecular consequence: missense variant.
Genome position (GRCh38, 1-based): chr11:108,271,072, G>A. VCF-style: chr11-108271072-G-A. GRCh37 (hg19) VCF-style: chr11-108141799-G-A.
Other names: c.2847G>A, p.Met949Ile (NM_001351834.2); short protein forms M949I.
Identifiers: ClinVar variation 631294 (VCV000631294.15), dbSNP rs1565424213, ClinGen allele CA382546705.

ClinVar aggregate classification (germline): Conflicting classifications of pathogenicity. Review status: criteria provided, conflicting classifications (1 of 4 stars). 3 submissions from 3 submitters: Uncertain significance (2); Likely benign (1). Last evaluated 2025-02-19.

Conditions:
Hereditary cancer-predisposing syndrome. Also called: Hereditary Cancer Syndrome; Neoplastic Syndromes, Hereditary; Tumor predisposition; Hereditary neoplastic syndrome. Identifiers: Orphanet 140162, MedGen C0027672, MeSH D009386, MONDO:0015356.
Ataxia-telangiectasia syndrome (AT). Also called: Ataxia-telangiectasia, complementation group D; AT, COMPLEMENTATION GROUP C; Ataxia-telangiectasia; ATAXIA-TELANGIECTASIA, COMPLEMENTATION GROUP A; ATAXIA-TELANGIECTASIA, FRESNO VARIANT; LOUIS-BAR SYNDROME. Identifiers: Orphanet 100, MedGen C0004135, MONDO:0008840, OMIM 208900.

Allele frequency attached by ClinVar (database versions not stated): gnomAD exomes below 0.00001.
gnomAD v4.1: 2 of 1,613,676 alleles (0.00012%); highest among the groups gnomAD compares: South Asian, 0.0011%; no homozygotes.

Submissions (3):

Ambry Genetics
Classification: Likely benign for Hereditary cancer-predisposing syndrome. Last evaluated: 2025-02-19. Review status: criteria provided, single submitter. Criteria: Ambry Variant Classification Scheme 2023. Collection method: clinical testing. Allele origin: germline.

Labcorp Genetics (formerly Invitae), Labcorp
Classification: Uncertain significance for Ataxia-telangiectasia syndrome. Last evaluated: 2024-06-17. Review status: criteria provided, single submitter. Criteria: Invitae Variant Classification Sherloc (09022015). Collection method: clinical testing. Allele origin: germline.
Comment: This sequence change replaces methionine, which is neutral and non-polar, with isoleucine, which is neutral and non-polar, at codon 949 of the ATM protein (p.Met949Ile). This variant is not present in population databases (gnomAD no frequency). This variant has not been reported in the literature in individuals affected with ATM-related conditions. ClinVar contains an entry for this variant (Variation ID: 631294). An algorithm developed to predict the effect of missense changes on protein structure and function (PolyPhen-2) suggests that this variant is likely to be tolerated. In summary, the available evidence is currently insufficient to determine the role of this variant in disease. Therefore, it has been classified as a Variant of Uncertain Significance.

Color Diagnostics, LLC DBA Color Health
Classification: Uncertain significance for Hereditary cancer-predisposing syndrome. Last evaluated: 2023-12-05. Review status: criteria provided, single submitter. Criteria: ACMG Guidelines, 2015. Collection method: clinical testing. Allele origin: germline.
Comment: This missense variant replaces methionine with isoleucine at codon 949 of the ATM protein. Computational prediction suggests that this variant may not impact protein structure and function (internally defined REVEL score threshold <= 0.5, PMID: 27666373). To our knowledge, functional studies have not been reported for this variant. This variant has not been reported in individuals affected with ATM-related disorders in the literature. This variant has not been identified in the general population by the Genome Aggregation Database (gnomAD). The available evidence is insufficient to determine the role of this variant in disease conclusively. Therefore, this variant is classified as a Variant of Uncertain Significance.